The following is an entry in ClinVar:

ClinVar aggregate classification (germline): Uncertain significance. Review status: criteria provided, multiple submitters, no conflicts (2 of 4 stars). 3 submissions from 3 submitters: Uncertain significance (3). Last evaluated 2026-04-23.

Conditions:
Alstrom syndrome (ALMS). Identifiers: Orphanet 64, MedGen C0268425, MONDO:0008763, OMIM 203800.
Cardiovascular phenotype. Identifiers: MedGen CN230736.

Allele frequency attached by ClinVar (database versions not stated): gnomAD exomes 0.00002; gnomAD 0.00001; ExAC 0.00007; TOPMed below 0.00001; 1000 Genomes Project 30x 0.00016; 1000 Genomes Project 0.00020.
gnomAD v4.1: 24 of 1,548,302 alleles (0.0016%); highest among the groups gnomAD compares: Middle Eastern, 0.017%; no homozygotes.

Submissions (3):

GeneDx
Classification: Uncertain significance. Last evaluated: 2026-04-23. Review status: criteria provided, single submitter. Criteria: GeneDx Variant Classification Process June 2021. Collection method: clinical testing. Allele origin: germline.
Comment: Not observed at significant frequency in large population cohorts (gnomAD); In silico analysis supports a deleterious effect on splicing; Has not been previously published as pathogenic or benign to our knowledge

Ambry Genetics
Classification: Uncertain significance for Cardiovascular phenotype. Last evaluated: 2025-07-03. Review status: criteria provided, single submitter. Criteria: Ambry Variant Classification Scheme 2023. Collection method: clinical testing. Allele origin: germline.
Comment: The c.306C>T variant (also known as p.G102G), located in coding exon 1 of the ALMS1 gene, results from a C to T substitution at nucleotide position 306. This nucleotide substitution does not change the amino acid at codon 102. This nucleotide position is not well conserved in available vertebrate species. In silico splice site analysis predicts that this alteration will result in the creation or strengthening of a novel splice donor site. Based on the available evidence, the clinical significance of this variant remains unclear.

Labcorp Genetics (formerly Invitae), Labcorp
Classification: Uncertain significance for Alstrom syndrome. Last evaluated: 2022-06-16. Review status: criteria provided, single submitter. Criteria: Invitae Variant Classification Sherloc (09022015). Collection method: clinical testing. Allele origin: germline.
Comment: This sequence change affects codon 102 of the ALMS1 mRNA. It is a 'silent' change, meaning that it does not change the encoded amino acid sequence of the ALMS1 protein. This variant is present in population databases (rs553661392, gnomAD 0.002%). This variant has not been reported in the literature in individuals affected with ALMS1-related conditions. Algorithms developed to predict the effect of sequence changes on RNA splicing suggest that this variant may create or strengthen a splice site. In summary, the available evidence is currently insufficient to determine the role of this variant in disease. Therefore, it has been classified as a Variant of Uncertain Significance.

NM_001378454.1(ALMS1):c.303C>T (p.Gly101=)

Gene: ALMS1 (ALMS1 centrosome and basal body associated protein; plus strand). Cytogenetic location: 2p13.1.
Variant type: single nucleotide variant.
Coding change: c.303C>T on transcript NM_001378454.1 (MANE Select); coding-DNA position 303, C replaced by T.
Protein change: p.Gly101=; no amino-acid change (glycine 101 retained).
Molecular consequence: synonymous variant.
Genome position (GRCh38, 1-based): chr2:73,386,171, C>T. VCF-style: chr2-73386171-C-T. GRCh37 (hg19) VCF-style: chr2-73613299-C-T.
Other names: c.306C>T, p.Gly102= (NM_015120.4).
Identifiers: ClinVar variation 2062442 (VCV002062442.3), dbSNP rs553661392, ClinGen allele CA1712791.